The following is an entry in ClinVar:

NM_000489.6(ATRX):c.6338_6401del (p.Phe2113fs)

Gene: ATRX (ATRX chromatin remodeler; minus strand). Cytogenetic location: Xq21.1.
Variant type: Deletion.
Coding change: c.6338_6401del on transcript NM_000489.6 (MANE Select); coding-DNA positions 6338 to 6401, 64 bases deleted.
Protein change: p.Phe2113fs; shifts the reading frame from phenylalanine 2113.
Molecular consequence: frameshift variant.
Genome position (GRCh38, 1-based): chrX:77,558,772-77,558,835, 64 bases deleted. GRCh37 (hg19): chrX:76,814,248-76,814,311.
Other names: c.6224_6287del, p.Phe2075fs (NM_138270.5); short protein forms F2075fs, F2113fs.
Identifiers: ClinVar variation 4530210 (VCV004530210.1).

ClinVar aggregate classification (somatic clinical impact): Tier I - Strong (1 of 4 stars; one submission).

Conditions:
Diffuse midline glioma, H3 K27M-mutant. Identifiers: MedGen C4289688, MONDO:0957196.

Submission:

Institute for Genomic Medicine (IGM) Clinical Laboratory, Nationwide Children's Hospital
Classification: Tier I - Strong for Diffuse midline glioma, H3 K27M-mutant. Assertion type: diagnostic. Clinical significance: supports diagnosis. Last evaluated: 2022-12-15. Review status: criteria provided, single submitter. Criteria: AMP/ASCO/CAP Guidelines, 2017. Collection method: clinical testing. Allele origin: somatic. Affected: yes.
Comment: Variant has Tier I (strong) clinical significance as a diagnostic inclusion criterion in diffuse midline glioma, H3 K27M-mutant, based on the following evidence: 1) Appears in one or more well-established professional guidelines (e.g., World Health Organization [WHO]; National Comprehensive Cancer Network [NCCN]) as providing diagnostic, prognostic, or therapeutic information. 2) Information in the literature supports potential biologic effect of variant. 3) Diagnostic for a specific tumor type/classification based on well-powered studies with expert-level consensus (Evidence Level B; PMIDs: 24705251, 28966033, 22661320, 25230881, 26517431).

Literature cited by the submitters: PubMed 24705251; PubMed 28966033; PubMed 22661320; PubMed 25230881; PubMed 26517431.